The following is an entry in ClinVar:

NM_002227.4(JAK1):c.7-4A>G

Gene: JAK1 (Janus kinase 1; minus strand). Cytogenetic location: 1p31.3.
Variant type: single nucleotide variant.
Coding change: c.7-4A>G on transcript NM_002227.4 (MANE Select); 4 bases into the intron before coding-DNA position 7, A replaced by G.
Molecular consequence: intron variant.
Genome position (GRCh38, 1-based): chr1:64,883,479, T>C on the plus strand (A>G on the coding strand, the complement: JAK1 is on the minus strand). VCF-style: chr1-64883479-T-C. GRCh37 (hg19) VCF-style: chr1-65349162-T-C.
Other names: c.7-4A>G (NM_001321852.2, NM_001321854.2, NM_001321853.2 and 4 more transcripts).
Identifiers: ClinVar variation 2996100 (VCV002996100.3), dbSNP rs747301988, ClinGen allele CA893258.

ClinVar aggregate classification (germline): Uncertain significance (1 of 4 stars; one submission).

Allele frequency attached by ClinVar (database versions not stated): TOPMed 0.00001; gnomAD exomes 0.00002; ExAC 0.00003; gnomAD 0.00004.
gnomAD v4.1: 31 of 1,612,334 alleles (0.0019%); highest among the groups gnomAD compares: Non-Finnish European, 0.0025%; no homozygotes.

Submission:

Labcorp Genetics (formerly Invitae), Labcorp
Classification: Uncertain significance. Last evaluated: 2023-01-30. Review status: criteria provided, single submitter. Criteria: Invitae Variant Classification Sherloc (09022015). Collection method: clinical testing. Allele origin: germline.
Comment: In summary, the available evidence is currently insufficient to determine the role of this variant in disease. Therefore, it has been classified as a Variant of Uncertain Significance. Algorithms developed to predict the effect of sequence changes on RNA splicing suggest that this variant may create or strengthen a splice site. This variant has not been reported in the literature in individuals affected with JAK1-related conditions. This variant is present in population databases (rs747301988, gnomAD 0.006%). This sequence change falls in intron 2 of the JAK1 gene. It does not directly change the encoded amino acid sequence of the JAK1 protein.